The following is an entry in ClinVar:

NM_001291303.3(FAT4):c.7060G>T (p.Val2354Leu)

Gene: FAT4 (FAT atypical cadherin 4; plus strand). Cytogenetic location: 4q28.1.
Variant type: single nucleotide variant.
Coding change: c.7060G>T on transcript NM_001291303.3 (MANE Select); coding-DNA position 7060, G replaced by T.
Protein change: p.Val2354Leu; replaces valine 2354 with leucine.
Molecular consequence: missense variant.
Genome position (GRCh38, 1-based): chr4:125,434,286, G>T. VCF-style: chr4-125434286-G-T. GRCh37 (hg19) VCF-style: chr4-126355441-G-T.
Other names: c.7060G>T, p.Val2354Leu (NM_001291285.3, NM_024582.6); short protein forms V2354L.
Identifiers: ClinVar variation 2013246 (VCV002013246.4), dbSNP rs2530842297, ClinGen allele CA358135070.

ClinVar aggregate classification (germline): Uncertain significance (1 of 4 stars; one submission).

Allele frequency attached by ClinVar (database versions not stated): gnomAD exomes below 0.00001.
gnomAD v4.1: 1 of 1,613,994 alleles (0.000062%); highest among the groups gnomAD compares: Non-Finnish European, 0.000085%; no homozygotes.

Submission:

Labcorp Genetics (formerly Invitae), Labcorp
Classification: Uncertain significance. Last evaluated: 2024-01-24. Review status: criteria provided, single submitter. Criteria: Invitae Variant Classification Sherloc (09022015). Collection method: clinical testing. Allele origin: germline.
Comment: This sequence change replaces valine, which is neutral and non-polar, with leucine, which is neutral and non-polar, at codon 2354 of the FAT4 protein (p.Val2354Leu). This variant is not present in population databases (gnomAD no frequency). This variant has not been reported in the literature in individuals affected with FAT4-related conditions. ClinVar contains an entry for this variant (Variation ID: 2013246). Advanced modeling of protein sequence and biophysical properties (such as structural, functional, and spatial information, amino acid conservation, physicochemical variation, residue mobility, and thermodynamic stability) performed at Invitae indicates that this missense variant is not expected to disrupt FAT4 protein function with a negative predictive value of 80%. In summary, the available evidence is currently insufficient to determine the role of this variant in disease. Therefore, it has been classified as a Variant of Uncertain Significance.